The following is an entry in ClinVar:

NM_001854.4(COL11A1):c.1974A>C (p.Gly658=)

Gene: COL11A1 (collagen type XI alpha 1 chain; minus strand). Cytogenetic location: 1p21.1.
Variant type: single nucleotide variant.
Coding change: c.1974A>C on transcript NM_001854.4 (MANE Select); coding-DNA position 1974, A replaced by C.
Protein change: p.Gly658=; no amino-acid change (glycine 658 retained).
Molecular consequence: synonymous variant. On other transcripts: non-coding transcript variant (1).
Genome position (GRCh38, 1-based): chr1:103,003,239, T>G on the plus strand (A>C on the coding strand, the complement: COL11A1 is on the minus strand). VCF-style: chr1-103003239-T-G. GRCh37 (hg19) VCF-style: chr1-103468795-T-G.
Other names: c.1626A>C, p.Gly542= (NM_001168249.1, NM_080630.4); c.1857A>C, p.Gly619= (NM_001190709.2); c.2010A>C, p.Gly670= (NM_080629.3).
Identifiers: ClinVar variation 3048534 (VCV003048534.2), dbSNP rs2525370240, ClinGen allele CA419206599.

ClinVar aggregate classification (germline): Likely benign (0 of 4 stars; one submission).

Conditions:
COL11A1-related disorder. Also called: COL11A1-related disorders; COL11A1-related condition.

Submission:

PreventionGenetics, part of Exact Sciences
Classification: Likely benign for COL11A1-related condition. Last evaluated: 2022-08-25. Review status: no assertion criteria provided. Collection method: clinical testing. Allele origin: germline.
Comment: This variant is classified as likely benign based on ACMG/AMP sequence variant interpretation guidelines (Richards et al. 2015 PMID: 25741868, with internal and published modifications).